The following is an entry in ClinVar:

NM_004183.4(BEST1):c.467A>G (p.His156Arg)

Gene: BEST1 (bestrophin 1; plus strand). Cytogenetic location: 11q12.3.
Variant type: single nucleotide variant.
Coding change: c.467A>G on transcript NM_004183.4 (MANE Select); coding-DNA position 467, A replaced by G.
Protein change: p.His156Arg; replaces histidine 156 with arginine.
Molecular consequence: missense variant. On other transcripts: non-coding transcript variant (1).
Genome position (GRCh38, 1-based): chr11:61,955,937, A>G. VCF-style: chr11-61955937-A-G. GRCh37 (hg19) VCF-style: chr11-61723409-A-G.
Other names: c.287A>G, p.His96Arg (NM_001139443.3, NM_001300786.2, NM_001300787.2); c.149A>G, p.His50Arg (NM_001363591.3); c.467A>G, p.His156Arg (NM_001363592.2); c.-709A>G (NM_001363593.3); short protein forms H50R, H156R, H96R.
Identifiers: ClinVar variation 2875866 (VCV002875866.3), dbSNP rs2541364414, ClinGen allele CA380835542.

ClinVar aggregate classification (germline): Uncertain significance (1 of 4 stars; one submission).

Allele frequency attached by ClinVar (database versions not stated): gnomAD exomes below 0.00001.
gnomAD v4.1: 1 of 1,548,794 alleles (0.000065%); highest among the groups gnomAD compares: Non-Finnish European, 0.000087%; no homozygotes.

Submission:

Labcorp Genetics (formerly Invitae), Labcorp
Classification: Uncertain significance. Last evaluated: 2023-01-02. Review status: criteria provided, single submitter. Criteria: Invitae Variant Classification Sherloc (09022015). Collection method: clinical testing. Allele origin: germline.
Comment: In summary, the available evidence is currently insufficient to determine the role of this variant in disease. Therefore, it has been classified as a Variant of Uncertain Significance. Advanced modeling of protein sequence and biophysical properties (such as structural, functional, and spatial information, amino acid conservation, physicochemical variation, residue mobility, and thermodynamic stability) performed at Invitae indicates that this missense variant is expected to disrupt BEST1 protein function. This variant has not been reported in the literature in individuals affected with BEST1-related conditions. This variant is not present in population databases (gnomAD no frequency). This sequence change replaces histidine, which is basic and polar, with arginine, which is basic and polar, at codon 156 of the BEST1 protein (p.His156Arg).